The following is an entry in ClinVar:

ClinVar aggregate classification (germline): Uncertain significance (1 of 4 stars; one submission).

Allele frequency attached by ClinVar (database versions not stated): ExAC 0.00002.
gnomAD v4.1: 18 of 1,613,996 alleles (0.0011%); highest among the groups gnomAD compares: Admixed American, 0.005%; no homozygotes.

Submission:

Labcorp Genetics (formerly Invitae), Labcorp
Classification: Uncertain significance. Last evaluated: 2026-01-26. Review status: criteria provided, single submitter. Criteria: Invitae Variant Classification Sherloc (09022015). Collection method: clinical testing. Allele origin: germline.
Comment: This sequence change replaces arginine, which is basic and polar, with histidine, which is basic and polar, at codon 50 of the ERBB4 protein (p.Arg50His). The frequency data for this variant in the population databases is considered unreliable, as metrics indicate poor data quality at this position in the gnomAD database. This variant has not been reported in the literature in individuals affected with ERBB4-related conditions. ClinVar contains an entry for this variant (Variation ID: 2716572). Invitae Evidence Modeling of protein sequence and biophysical properties (such as structural, functional, and spatial information, amino acid conservation, physicochemical variation, residue mobility, and thermodynamic stability) indicates that this missense variant is not expected to disrupt ERBB4 protein function with a negative predictive value of 80%. In summary, the available evidence is currently insufficient to determine the role of this variant in disease. Therefore, it has been classified as a Variant of Uncertain Significance.

NM_005235.3(ERBB4):c.149G>A (p.Arg50His)

Gene: ERBB4 (erb-b2 receptor tyrosine kinase 4; minus strand). Cytogenetic location: 2q34.
Variant type: single nucleotide variant.
Coding change: c.149G>A on transcript NM_005235.3 (MANE Select); coding-DNA position 149, G replaced by A.
Protein change: p.Arg50His; replaces arginine 50 with histidine.
Molecular consequence: missense variant.
Genome position (GRCh38, 1-based): chr2:212,124,837, C>T on the plus strand (G>A on the coding strand, the complement: ERBB4 is on the minus strand). VCF-style: chr2-212124837-C-T. GRCh37 (hg19) VCF-style: chr2-212989562-C-T.
Other names: c.149G>A, p.Arg50His (NM_001042599.2); short protein forms R50H.
Identifiers: ClinVar variation 2716572 (VCV002716572.3), dbSNP rs755026855, ClinGen allele CA2088513.
Genomic context (GRCh38, chr2:212,124,837, plus strand): 5'-TGCTCAATGCTGGTTATCTCCAGGTTGCCCATGACAACCTCACAGTTTTCATAGTACTTG[C>T]GCAAGGCTCGGTACTGCTGTTCCAGGTCAGAGAGAGAGCTCAGTTTATTCTCCGTTCCTG-3'
Protein context (NP_005226.1, residues 40-60): SDLEQQYRAL[Arg50His]KYYENCEVVM